The following is an entry in ClinVar:

NM_000548.5(TSC2):c.2231del (p.Pro744fs)

Gene: TSC2 (TSC complex subunit 2; plus strand). Cytogenetic location: 16p13.3.
Variant type: Deletion.
Coding change: c.2231del on transcript NM_000548.5 (MANE Select); coding-DNA position 2231, one base deleted (C; older notation c.2231delC).
Protein change: p.Pro744fs; shifts the reading frame from proline 744.
Molecular consequence: frameshift variant.
Genome position (GRCh38, 1-based): chr16:2,072,859, C deleted; the last of 3 consecutive C bases (chr16:2,072,857-2,072,859); deleting any one gives the same sequence. VCF-style (leftmost placement, unchanged base first): chr16-2072856-GC-G. GRCh37 (hg19) VCF-style: chr16-2122857-GC-G.
Other names: c.2231del, p.Pro744fs (NM_001077183.3, NM_001114382.3, NM_001363528.2 and 3 more transcripts); c.2120del, p.Pro707fs (NM_001318827.2); c.2084del, p.Pro695fs (NM_001318829.2); c.1631del, p.Pro544fs (NM_001318831.2); c.2264del, p.Pro755fs (NM_001318832.2); short protein forms P755fs, P695fs, P744fs, P544fs, P707fs.
Identifiers: ClinVar variation 65298 (VCV000065298.5), dbSNP rs397515218, ClinGen allele CA017016.

ClinVar aggregate classification (germline): Pathogenic. Review status: criteria provided, single submitter (1 of 4 stars). 2 submissions from 2 submitters: Pathogenic (1). 1 of the submissions does not count toward it. Last evaluated 2023-03-18.

Conditions:
Tuberous sclerosis syndrome (TSC). Also called: Tuberous Sclerosis Complex; Tuberous sclerosis. Identifiers: Orphanet 805, MedGen C0041341, MONDO:0001734.
Tuberous sclerosis 2 (TSC2). Identifiers: Orphanet 805, MedGen C1860707, MONDO:0013199, OMIM 613254.

Submissions (2):

Labcorp Genetics (formerly Invitae), Labcorp
Classification: Pathogenic for Tuberous sclerosis 2. Last evaluated: 2023-03-18. Review status: criteria provided, single submitter. Criteria: Invitae Variant Classification Sherloc (09022015). Collection method: clinical testing. Allele origin: germline.
Comment: For these reasons, this variant has been classified as Pathogenic. ClinVar contains an entry for this variant (Variation ID: 65298). This variant has not been reported in the literature in individuals affected with TSC2-related conditions. This variant is not present in population databases (gnomAD no frequency). This sequence change creates a premature translational stop signal (p.Pro744Glnfs*27) in the TSC2 gene. It is expected to result in an absent or disrupted protein product. Loss-of-function variants in TSC2 are known to be pathogenic (PMID: 10205261, 17304050).

Tuberous sclerosis database (TSC2)
No classification provided. Condition: TSC. Review status: no classification provided. Criteria: Tuberous Sclerosis Database Assertion Criteria 2015. Collection method: curation. Allele origin: germline. Affected: yes. Not counted in ClinVar's aggregate classification.

Literature cited by the submitters: PubMed 10205261 (cited by Labcorp Genetics (formerly Invitae), Labcorp); PubMed 17304050 (cited by Labcorp Genetics (formerly Invitae), Labcorp).